The following is an entry in ClinVar:

ClinVar aggregate classification (germline): Likely benign. Review status: criteria provided, multiple submitters, no conflicts (2 of 4 stars). 3 submissions from 3 submitters: Likely benign (3). Last evaluated 2024-02-25.

Conditions:
Arrhythmogenic right ventricular cardiomyopathy (ARVD). Also called: Cardiomyopathy, ARVC; Arrhythmogenic right ventricular dysplasia; Arrhythmogenic cardiomyopathy; Arrhythmogenic Right Ventricular Cardiomyopathy (ARVC). Identifiers: Orphanet 247, MedGen C0349788, MeSH D019571, MONDO:0016587. Disease mechanism: loss of function. Inheritance: Various modes of inheritance.
Cardiomyopathy (CMYO). Also called: Cardiomyopathies. Identifiers: Orphanet 167848, MedGen C0878544, MONDO:0004994, HP:0001638. Inheritance: Various modes of inheritance.
Arrhythmogenic right ventricular dysplasia 10. Also called: Arrhythmogenic Right Ventricular Dysplasia/Cardiomyopathy10; ARRHYTHMOGENIC RIGHT VENTRICULAR DYSPLASIA, FAMILIAL, 10; Arrhythmogenic right ventricular dysplasia/cardiomyopathy, type 10. Identifiers: MedGen C1857777, MONDO:0012434, OMIM 610193.

Allele frequency attached by ClinVar (database versions not stated): gnomAD 0.00001; gnomAD exomes 0.00001; TOPMed 0.00001; ExAC 0.00003.
gnomAD v4.1: 7 of 1,614,084 alleles (0.00043%); highest among the groups gnomAD compares: African/African-American, 0.0027%; no homozygotes.

Submissions (3):

Labcorp Genetics (formerly Invitae), Labcorp
Classification: Likely benign for Arrhythmogenic right ventricular dysplasia 10. Last evaluated: 2024-02-25. Review status: criteria provided, single submitter. Criteria: Invitae Variant Classification Sherloc (09022015). Collection method: clinical testing. Allele origin: germline.

All of Us Research Program, National Institutes of Health
Classification: Likely benign for Arrhythmogenic right ventricular cardiomyopathy. Last evaluated: 2023-09-17. Review status: criteria provided, single submitter. Criteria: ACMG Guidelines, 2015. Collection method: clinical testing. Allele origin: germline. Inheritance: Autosomal dominant inheritance. Observed: 2 variant alleles, 2 heterozygotes.
Comment: This study involves interpretation of variants in research participants for the purpose of population health screening. Participant phenotype was not available at the time of variant classification. Additional details can be found in publication PMID: 35346344, PMCID: PMC8962531

Color Diagnostics, LLC DBA Color Health
Classification: Likely benign for Cardiomyopathy. Last evaluated: 2021-03-16. Review status: criteria provided, single submitter. Criteria: ACMG Guidelines, 2015. Collection method: clinical testing. Allele origin: germline.

NM_001943.5(DSG2):c.2754A>G (p.Gln918=)

Genes: DSG2 (desmoglein 2; plus strand), DSG2-AS1 (DSG2 antisense RNA 1; minus strand). Cytogenetic location: 18q12.1.
Variant type: single nucleotide variant.
Coding change: c.2754A>G on transcript NM_001943.5 (MANE Select); coding-DNA position 2754, A replaced by G.
Protein change: p.Gln918=; no amino-acid change (glutamine 918 retained).
Molecular consequence: synonymous variant.
Genome position (GRCh38, 1-based): chr18:31,546,140, A>G. VCF-style: chr18-31546140-A-G. GRCh37 (hg19) VCF-style: chr18-29126103-A-G.
Identifiers: ClinVar variation 759862 (VCV000759862.13), dbSNP rs764157519, ClinGen allele CA047126.
Genomic context (GRCh38, chr18:31,546,140, plus strand): 5'-TGCAGAGAAAGTAACTCAGGAAATAGTCACTGAAAGATCTGTGTCTTCTAGGCAGGCGCA[A>G]AAGGTAGCTACACCTCTTCCTGACCCAATGGCTTCTAGAAATGTGATAGCAACAGAAACT-3'
Protein context (NP_001934.2, residues 908-928): TERSVSSRQA[Gln918=]KVATPLPDPM